The following is an entry in ClinVar:

ClinVar aggregate classification (germline): Uncertain significance (1 of 4 stars; one submission).

Conditions:
Cardiomyopathy (CMYO). Also called: Cardiomyopathies. Identifiers: Orphanet 167848, MedGen C0878544, MONDO:0004994, HP:0001638. Inheritance: Various modes of inheritance.

Submission:

All of Us Research Program, National Institutes of Health
Classification: Uncertain significance for Cardiomyopathy. Last evaluated: 2023-11-02. Review status: criteria provided, single submitter. Criteria: ACMG Guidelines, 2015. Collection method: clinical testing. Allele origin: germline. Inheritance: Autosomal dominant inheritance. Observed: 1 variant allele, 1 heterozygote.
Comment: This missense variant replaces valine with isoleucine at codon 1017 of the MYH7 protein. Computational prediction is inconclusive regarding the impact of this variant on protein structure and function (internally defined REVEL score threshold 0.5 < inconclusive < 0.7, PMID: 27666373). To our knowledge, functional studies have not been reported for this variant. This variant has not been reported in individuals affected with MYH7-related disorders in the literature. This variant has not been identified in the general population by the Genome Aggregation Database (gnomAD). The available evidence is insufficient to determine the role of this variant in disease conclusively. Therefore, this variant is classified as a Variant of Uncertain Significance.

This study involves interpretation of variants in research participants for the purpose of population health screening. Participant phenotype was not available at the time of variant classification. Additional details can be found in publication PMID: 35346344, PMCID: PMC8962531

NM_000257.4(MYH7):c.3049G>A (p.Val1017Ile)

Gene: MYH7 (myosin heavy chain 7; minus strand). Cytogenetic location: 14q11.2.
Variant type: single nucleotide variant.
Coding change: c.3049G>A on transcript NM_000257.4 (MANE Select); coding-DNA position 3049, G replaced by A.
Protein change: p.Val1017Ile; replaces valine 1017 with isoleucine.
Molecular consequence: missense variant.
Genome position (GRCh38, 1-based): chr14:23,423,597, C>T on the plus strand (G>A on the coding strand, the complement: MYH7 is on the minus strand). VCF-style: chr14-23423597-C-T. GRCh37 (hg19) VCF-style: chr14-23892806-C-T.
Other names: c.3049G>A, p.Val1017Ile (NM_001407004.1); short protein forms V1017I.
Identifiers: ClinVar variation 3074308 (VCV003074308.1), dbSNP rs2502277744, ClinGen allele CA389045779.